The following is an entry in ClinVar:

NM_014795.4(ZEB2):c.1451C>A (p.Ser484Ter)

Gene: ZEB2 (zinc finger E-box binding homeobox 2; minus strand). Cytogenetic location: 2q22.3.
Variant type: single nucleotide variant.
Coding change: c.1451C>A on transcript NM_014795.4 (MANE Select); coding-DNA position 1451, C replaced by A.
Protein change: p.Ser484Ter; replaces serine 484 with a stop codon.
Molecular consequence: nonsense.
Genome position (GRCh38, 1-based): chr2:144,399,736, G>T on the plus strand (C>A on the coding strand, the complement: ZEB2 is on the minus strand). VCF-style: chr2-144399736-G-T. GRCh37 (hg19) VCF-style: chr2-145157303-G-T.
Other names: c.1379C>A, p.Ser460Ter (NM_001171653.2); short protein forms S484*, S460*.
Identifiers: ClinVar variation 280506 (VCV000280506.2), dbSNP rs886041698, ClinGen allele CA10602806.

ClinVar aggregate classification (germline): Pathogenic (1 of 4 stars; one submission).

Submission:

GeneDx
Classification: Pathogenic. Last evaluated: 2016-04-15. Review status: criteria provided, single submitter. Criteria: GeneDx Variant Classification (06012015). Collection method: clinical testing. Allele origin: germline. Affected: yes.
Comment: The S484X pathogenic variant in the ZEB2 gene has not been reported previously as a pathogenic variant nor as a benign variant, to our knowledge. This variant is predicted to cause loss of normal protein function either through protein truncation or nonsense-mediated mRNA decay. The S484X variant was not observed in approximately 6500 individuals of European and African American ancestry in the NHLBI Exome Sequencing Project, indicating it is not a common benign variant in these populations. We interpret S484X as a pathogenic variant.